The following is an entry in ClinVar:

ClinVar aggregate classification (germline): Uncertain significance (1 of 4 stars; one submission).

Conditions:
Familial hemiplegic migraine. Identifiers: MedGen C0338484, MONDO:0000700.

Allele frequency attached by ClinVar (database versions not stated): gnomAD exomes below 0.00001; ExAC 0.00001.

Submission:

Labcorp Genetics (formerly Invitae), Labcorp
Classification: Uncertain significance for Familial hemiplegic migraine. Last evaluated: 2024-10-25. Review status: criteria provided, single submitter. Criteria: Invitae Variant Classification Sherloc (09022015). Collection method: clinical testing. Allele origin: germline.
Comment: This sequence change replaces arginine, which is basic and polar, with cysteine, which is neutral and slightly polar, at codon 884 of the ATP1A2 protein (p.Arg884Cys). This variant is present in population databases (rs765117244, gnomAD 0.006%). This variant has not been reported in the literature in individuals affected with ATP1A2-related conditions. ClinVar contains an entry for this variant (Variation ID: 941292). Invitae Evidence Modeling of protein sequence and biophysical properties (such as structural, functional, and spatial information, amino acid conservation, physicochemical variation, residue mobility, and thermodynamic stability) indicates that this missense variant is expected to disrupt ATP1A2 protein function with a positive predictive value of 95%. In summary, the available evidence is currently insufficient to determine the role of this variant in disease. Therefore, it has been classified as a Variant of Uncertain Significance.

NM_000702.4(ATP1A2):c.2650C>T (p.Arg884Cys)

Gene: ATP1A2 (ATPase Na+/K+ transporting subunit alpha 2; plus strand). Cytogenetic location: 1q23.2.
Variant type: single nucleotide variant.
Coding change: c.2650C>T on transcript NM_000702.4 (MANE Select); coding-DNA position 2650, C replaced by T.
Protein change: p.Arg884Cys; replaces arginine 884 with cysteine.
Molecular consequence: missense variant.
Genome position (GRCh38, 1-based): chr1:160,136,656, C>T. VCF-style: chr1-160136656-C-T. GRCh37 (hg19) VCF-style: chr1-160106446-C-T.
Other names: short protein forms R884C.
Identifiers: ClinVar variation 941292 (VCV000941292.9), dbSNP rs765117244, ClinGen allele CA1194804.